The following is an entry in ClinVar:

NM_001366385.1(CARD14):c.2158C>T (p.Arg720Cys)

Genes: CARD14 (caspase recruitment domain family member 14; plus strand), SGSH (N-sulfoglucosamine sulfohydrolase; minus strand). Cytogenetic location: 17q25.3.
Variant type: single nucleotide variant.
Coding change: c.2158C>T on transcript NM_001366385.1 (MANE Select); coding-DNA position 2158, C replaced by T.
Protein change: p.Arg720Cys; replaces arginine 720 with cysteine.
Molecular consequence: missense variant. On other transcripts: non-coding transcript variant (1).
Genome position (GRCh38, 1-based): chr17:80,202,359, C>T. VCF-style: chr17-80202359-C-T. GRCh37 (hg19) VCF-style: chr17-78176158-C-T.
Other names: c.2158C>T, p.Arg720Cys (NM_001257970.1, NM_024110.4); short protein forms R720C.
Identifiers: ClinVar variation 1391581 (VCV001391581.6), dbSNP rs772710307, ClinGen allele CA294879986.
Genomic context (GRCh38, chr17:80,202,359, plus strand): 5'-AACGAGGTCCTGCACGTCACCGACACCATGTTCCAGGGCTGCGGCTGCTGGCATGCCCAC[C>T]GCGTGAACTCTTACACCATGAAGGATACTGCCGCGCACGGCACCATCCCCAACTACTCCA-3'
Protein context (NP_001353314.1, residues 710-730): FQGCGCWHAH[Arg720Cys]VNSYTMKDTA

ClinVar aggregate classification (germline): Uncertain significance (1 of 4 stars; one submission).

Conditions:
Pityriasis rubra pilaris (PRP). Also called: Pityriasis rubra pilaris--familial type. Identifiers: Orphanet 2897, MedGen C0032027, MONDO:0100017, OMIM 173200, MONDO:0008251.
Psoriasis 2. Identifiers: MedGen C1864497, MONDO:0011269, OMIM 602723.

Allele frequency attached by ClinVar (database versions not stated): gnomAD exomes 0.00001 and 0.00002; TOPMed 0.00003; gnomAD 0.00004.
gnomAD v4.1: 35 of 1,613,320 alleles (0.0022%); highest among the groups gnomAD compares: East Asian, 0.0045%; no homozygotes.

Submission:

Labcorp Genetics (formerly Invitae), Labcorp
Classification: Uncertain significance for Pityriasis rubra pilaris; Psoriasis 2. Last evaluated: 2025-03-03. Review status: criteria provided, single submitter. Criteria: Invitae Variant Classification Sherloc (09022015). Collection method: clinical testing. Allele origin: germline.
Comment: This sequence change replaces arginine, which is basic and polar, with cysteine, which is neutral and slightly polar, at codon 720 of the CARD14 protein (p.Arg720Cys). This variant is present in population databases (rs772710307, gnomAD 0.006%). This variant has not been reported in the literature in individuals affected with CARD14-related conditions. ClinVar contains an entry for this variant (Variation ID: 1391581). Invitae Evidence Modeling of protein sequence and biophysical properties (such as structural, functional, and spatial information, amino acid conservation, physicochemical variation, residue mobility, and thermodynamic stability) indicates that this missense variant is not expected to disrupt CARD14 protein function with a negative predictive value of 95%. In summary, the available evidence is currently insufficient to determine the role of this variant in disease. Therefore, it has been classified as a Variant of Uncertain Significance.